The following is an entry in ClinVar:

ClinVar aggregate classification (germline): Likely benign. Review status: criteria provided, multiple submitters, no conflicts (2 of 4 stars). 3 submissions from 3 submitters: Likely benign (3). Last evaluated 2025-06-09.

Conditions:
Hereditary cancer-predisposing syndrome. Also called: Hereditary Cancer Syndrome; Hereditary neoplastic syndrome; Neoplastic Syndromes, Hereditary; Tumor predisposition. Identifiers: Orphanet 140162, MedGen C0027672, MeSH D009386, MONDO:0015356.

Submissions (3):

Labcorp Genetics (formerly Invitae), Labcorp
Classification: Likely benign. Last evaluated: 2025-06-09. Review status: criteria provided, single submitter. Criteria: Invitae Variant Classification Sherloc (09022015). Collection method: clinical testing. Allele origin: germline.

Ambry Genetics
Classification: Likely benign for Hereditary cancer-predisposing syndrome. Last evaluated: 2024-10-12. Review status: criteria provided, single submitter. Criteria: Ambry Variant Classification Scheme 2023. Collection method: clinical testing. Allele origin: germline.

GeneDx
Classification: Likely benign. Last evaluated: 2017-10-07. Review status: criteria provided, single submitter. Criteria: GeneDx Variant Classification (06012015). Collection method: clinical testing. Allele origin: germline. Affected: yes.
Comment: This variant is considered likely benign or benign based on one or more of the following criteria: it is a conservative change, it occurs at a poorly conserved position in the protein, it is predicted to be benign by multiple in silico algorithms, and/or has population frequency not consistent with disease.

NM_006231.4(POLE):c.4689C>T (p.Thr1563=)

Gene: POLE (DNA polymerase epsilon, catalytic subunit; minus strand). Cytogenetic location: 12q24.33.
Variant type: single nucleotide variant.
Coding change: c.4689C>T on transcript NM_006231.4 (MANE Select); coding-DNA position 4689, C replaced by T.
Protein change: p.Thr1563=; no amino-acid change (threonine 1563 retained).
Molecular consequence: synonymous variant.
Genome position (GRCh38, 1-based): chr12:132,642,859, G>A on the plus strand (C>T on the coding strand, the complement: POLE is on the minus strand). VCF-style: chr12-132642859-G-A. GRCh37 (hg19) VCF-style: chr12-133219445-G-A.
Identifiers: ClinVar variation 387252 (VCV000387252.12), dbSNP rs1057522743, ClinGen allele CA16606138.